The following is an entry in ClinVar:

ClinVar aggregate classification (germline): Uncertain significance (1 of 4 stars; one submission).

Conditions:
Fetal akinesia deformation sequence 1 (FADS1). Also called: Fetal akinesia sequence; Pena-Shokeir syndrome type I. Identifiers: Orphanet 994, MedGen C1276035, MONDO:0100101, OMIM 208150, HP:0001989.
Congenital myasthenic syndrome 9. Also called: Myasthenic syndrome, congenital, 9, associated with acetylcholine receptor deficiency. Identifiers: Orphanet 590, MedGen C4225368, MONDO:0014587, OMIM 616325.

Allele frequency attached by ClinVar (database versions not stated): gnomAD exomes below 0.00001.
gnomAD v4.1: 1 of 1,613,314 alleles (0.000062%); highest among the groups gnomAD compares: Admixed American, 0.0017%; no homozygotes.

Submission:

Labcorp Genetics (formerly Invitae), Labcorp
Classification: Uncertain significance for Congenital myasthenic syndrome 9; Fetal akinesia deformation sequence 1. Last evaluated: 2022-02-10. Review status: criteria provided, single submitter. Criteria: Invitae Variant Classification Sherloc (09022015). Collection method: clinical testing. Allele origin: germline.
Comment: This sequence change replaces proline, which is neutral and non-polar, with arginine, which is basic and polar, at codon 595 of the MUSK protein (p.Pro595Arg). This variant is not present in population databases (gnomAD no frequency). In summary, the available evidence is currently insufficient to determine the role of this variant in disease. Therefore, it has been classified as a Variant of Uncertain Significance. Algorithms developed to predict the effect of missense changes on protein structure and function (SIFT, PolyPhen-2, Align-GVGD) all suggest that this variant is likely to be disruptive. ClinVar contains an entry for this variant (Variation ID: 1037822). This variant has not been reported in the literature in individuals affected with MUSK-related conditions.

NM_005592.4(MUSK):c.1784C>G (p.Pro595Arg)

Gene: MUSK (muscle associated receptor tyrosine kinase; plus strand). Cytogenetic location: 9q31.3.
Variant type: single nucleotide variant.
Coding change: c.1784C>G on transcript NM_005592.4 (MANE Select); coding-DNA position 1784, C replaced by G.
Protein change: p.Pro595Arg; replaces proline 595 with arginine.
Molecular consequence: missense variant.
Genome position (GRCh38, 1-based): chr9:110,787,695, C>G. VCF-style: chr9-110787695-C-G. GRCh37 (hg19) VCF-style: chr9-113549975-C-G.
Other names: c.1526C>G, p.Pro509Arg (NM_001166280.2); c.1496C>G, p.Pro499Arg (NM_001166281.2); c.524C>G, p.Pro175Arg (NM_001369398.1); short protein forms P499R, P175R, P509R, P595R.
Identifiers: ClinVar variation 1037822 (VCV001037822.9), dbSNP rs2077898016, ClinGen allele CA374476321.
Genomic context (GRCh38, chr9:110,787,695, plus strand): 5'-TAAAGATATGATGTCCATGATCTTTGGTTTCTTTTTCAATAAATGTATCTCTCAGGGCAC[C>G]AGGCTTACTTCCCTATGAACCTTTCACTATGGTGGCAGTAAAGATGCTCAAAGAAGAAGC-3'
Protein context (NP_005583.1, residues 585-605): AFGRVFQARA[Pro595Arg]GLLPYEPFTM